The following is an entry in ClinVar:

ClinVar aggregate classification (germline): Uncertain significance (1 of 4 stars; one submission).

Submission:

Labcorp Genetics (formerly Invitae), Labcorp
Classification: Uncertain significance. Last evaluated: 2021-12-19. Review status: criteria provided, single submitter. Criteria: Invitae Variant Classification Sherloc (09022015). Collection method: clinical testing. Allele origin: germline.
Comment: This sequence change replaces aspartic acid, which is acidic and polar, with glycine, which is neutral and non-polar, at codon 939 of the CTDP1 protein (p.Asp939Gly). Information on the frequency of this variant in the gnomAD database is not available, as this variant may be reported differently in the database. This variant has not been reported in the literature in individuals affected with CTDP1-related conditions. Algorithms developed to predict the effect of missense changes on protein structure and function are either unavailable or do not agree on the potential impact of this missense change (SIFT: "Not Available"; PolyPhen-2: "Probably Damaging"; Align-GVGD: "Not Available"). In summary, the available evidence is currently insufficient to determine the role of this variant in disease. Therefore, it has been classified as a Variant of Uncertain Significance.

NM_004715.5(CTDP1):c.2816_2817delinsGC (p.Asp939Gly)

Gene: CTDP1 (CTD phosphatase subunit 1; plus strand). Cytogenetic location: 18q23.
Variant type: Indel.
Coding change: c.2816_2817delinsGC on transcript NM_004715.5 (MANE Select); coding-DNA positions 2816 to 2817, AT replaced by GC.
Protein change: p.Asp939Gly; replaces aspartic acid 939 with glycine.
Molecular consequence: missense variant. On other transcripts: 3 prime UTR variant (2).
Genome position (GRCh38, 1-based): chr18:79,753,720-79,753,721, AT replaced by GC. VCF-style: chr18-79753720-AT-GC. GRCh37 (hg19) VCF-style: chr18-77513720-AT-GC.
Other names: c.2459_2460delinsGC, p.Asp820Gly (NM_001202504.1); c.*45_*46delinsGC (NM_001318511.2); c.*49_*50delinsGC (NM_048368.4); short protein forms D820G, D939G.
Identifiers: ClinVar variation 2022868 (VCV002022868.4), dbSNP rs2512192543, ClinGen allele CA2580096008.